The following is an entry in ClinVar:

ClinVar aggregate classification (germline): Likely pathogenic. Review status: criteria provided, multiple submitters, no conflicts (2 of 4 stars). 3 submissions from 3 submitters: Likely pathogenic (3). Last evaluated 2025-07-06.

Conditions:
Fanconi anemia complementation group J. Also called: BRIP1-Related Fanconi Anemia. Identifiers: Orphanet 84, MedGen C1836860, MONDO:0012187, OMIM 609054.
Familial cancer of breast. Also called: hereditary breast carcinoma; Hereditary breast cancer; BREAST CANCER, FAMILIAL. Identifiers: Orphanet 227535, MedGen C0346153, MONDO:0016419, OMIM 114480. Disease mechanism: loss of function.

Submissions (3):

Labcorp Genetics (formerly Invitae), Labcorp
Classification: Likely pathogenic for Familial cancer of breast; Fanconi anemia complementation group J. Last evaluated: 2025-07-06. Review status: criteria provided, single submitter. Criteria: Invitae Variant Classification Sherloc (09022015). Collection method: clinical testing. Allele origin: germline.
Comment: This sequence change affects an acceptor splice site in intron 9 of the BRIP1 gene. It is expected to disrupt RNA splicing. Variants that disrupt the donor or acceptor splice site typically lead to a loss of protein function (PMID: 16199547), and loss-of-function variants in BRIP1 are known to be pathogenic (PMID: 16116423, 17033622, 21964575). This variant is not present in population databases (gnomAD no frequency). Disruption of this splice site has been observed in individual(s) with breast cancer (PMID: 25452441). ClinVar contains an entry for this variant (Variation ID: 2438764). Algorithms developed to predict the effect of sequence changes on RNA splicing suggest that this variant may disrupt the consensus splice site. In summary, the currently available evidence indicates that the variant is pathogenic, but additional data are needed to prove that conclusively. Therefore, this variant has been classified as Likely Pathogenic.

Myriad Genetics, Inc.
Classification: Likely pathogenic for Familial cancer of breast. Last evaluated: 2023-06-01. Review status: criteria provided, single submitter. Criteria: Myriad Autosomal Dominant, Autosomal Recessive and X-Linked Classification Criteria (2023). Collection method: clinical testing. Allele origin: unknown.
Comment: This variant is considered likely pathogenic. This variant occurs within a consensus splice junction and is predicted to result in abnormal mRNA splicing of either an out-of-frame exon or an in-frame exon necessary for protein stability and/or normal function.

Revvity Omics, Revvity
Classification: Likely pathogenic for Fanconi anemia complementation group J. Last evaluated: 2023-01-27. Review status: criteria provided, single submitter. Criteria: ACMG Guidelines, 2015. Collection method: clinical testing. Allele origin: germline.

Literature cited by the submitters: PubMed 16199547 (cited by Labcorp Genetics (formerly Invitae), Labcorp); PubMed 16116423 (cited by Labcorp Genetics (formerly Invitae), Labcorp); PubMed 17033622 (cited by Labcorp Genetics (formerly Invitae), Labcorp); PubMed 21964575 (cited by Labcorp Genetics (formerly Invitae), Labcorp); PubMed 25452441 (cited by Labcorp Genetics (formerly Invitae), Labcorp).

NM_032043.3(BRIP1):c.1341-1G>C

Gene: BRIP1 (BRCA1 interacting DNA helicase 1; minus strand). Cytogenetic location: 17q23.2.
Variant type: single nucleotide variant.
Coding change: c.1341-1G>C on transcript NM_032043.3 (MANE Select); the canonical splice acceptor site of the intron before coding-DNA position 1341, G replaced by C.
Molecular consequence: splice acceptor variant.
Genome position (GRCh38, 1-based): chr17:61,793,730, C>G on the plus strand (G>C on the coding strand, the complement: BRIP1 is on the minus strand). VCF-style: chr17-61793730-C-G. GRCh37 (hg19) VCF-style: chr17-59871091-C-G.
Identifiers: ClinVar variation 2438764 (VCV002438764.6), dbSNP rs2545108710, ClinGen allele CA400482365.